The following is an entry in ClinVar:

NM_000428.3(LTBP2):c.8C>T (p.Pro3Leu)

Gene: LTBP2 (latent transforming growth factor beta binding protein 2; minus strand). Cytogenetic location: 14q24.3.
Variant type: single nucleotide variant.
Coding change: c.8C>T on transcript NM_000428.3 (MANE Select); coding-DNA position 8, C replaced by T.
Protein change: p.Pro3Leu; replaces proline 3 with leucine.
Molecular consequence: missense variant.
Genome position (GRCh38, 1-based): chr14:74,611,937, G>A on the plus strand (C>T on the coding strand, the complement: LTBP2 is on the minus strand). VCF-style: chr14-74611937-G-A. GRCh37 (hg19) VCF-style: chr14-75078640-G-A.
Other names: short protein forms P3L.
Identifiers: ClinVar variation 1355791 (VCV001355791.6), dbSNP rs747667029, ClinGen allele CA7270283.

ClinVar aggregate classification (germline): Uncertain significance (1 of 4 stars; one submission).

Allele frequency attached by ClinVar (database versions not stated): gnomAD exomes below 0.00001 and 0.00001; TOPMed below 0.00001; ExAC 0.00002.
gnomAD v4.1: 4 of 1,579,566 alleles (0.00025%); highest among the groups gnomAD compares: East Asian, 0.0023%; no homozygotes.

Submission:

Labcorp Genetics (formerly Invitae), Labcorp
Classification: Uncertain significance. Last evaluated: 2020-12-11. Review status: criteria provided, single submitter. Criteria: Invitae Variant Classification Sherloc (09022015). Collection method: clinical testing. Allele origin: germline.
Comment: This variant has not been reported in the literature in individuals with LTBP2-related conditions. In summary, the available evidence is currently insufficient to determine the role of this variant in disease. Therefore, it has been classified as a Variant of Uncertain Significance. Algorithms developed to predict the effect of missense changes on protein structure and function output the following: SIFT: "Deleterious"; PolyPhen-2: "Benign"; Align-GVGD: "Class C35". The leucine amino acid residue is found in multiple mammalian species, suggesting that this missense change does not adversely affect protein function. These predictions have not been confirmed by published functional studies and their clinical significance is uncertain. This variant is present in population databases (rs747667029, ExAC 0.009%). This sequence change replaces proline with leucine at codon 3 of the LTBP2 protein (p.Pro3Leu). The proline residue is highly conserved and there is a moderate physicochemical difference between proline and leucine.